The following is an entry in ClinVar:

NM_001844.5(COL2A1):c.518C>G (p.Pro173Arg)

Gene: COL2A1 (collagen type II alpha 1 chain; minus strand). Cytogenetic location: 12q13.11.
Variant type: single nucleotide variant.
Coding change: c.518C>G on transcript NM_001844.5 (MANE Select); coding-DNA position 518, C replaced by G.
Protein change: p.Pro173Arg; replaces proline 173 with arginine.
Molecular consequence: missense variant.
Genome position (GRCh38, 1-based): chr12:47,997,619, G>C on the plus strand (C>G on the coding strand, the complement: COL2A1 is on the minus strand). VCF-style: chr12-47997619-G-C. GRCh37 (hg19) VCF-style: chr12-48391402-G-C.
Other names: c.311C>G, p.Pro104Arg (NM_033150.3); c.518C>G (NM_001844.4); short protein forms P173R, P104R.
Identifiers: ClinVar variation 1472136 (VCV001472136.9), dbSNP rs528081130, ClinGen allele CA6535911.
Genomic context (GRCh38, chr12:47,997,619, plus strand): 5'-CATTTCTGGAGGGACAGCCTGAAGGAATGGGAAGTAAGGATACTTACTCCACCAAGACCA[G>C]GGGGACCAGGGGGGCCGGGAGGACCAGGGGGGCCAGGATTTCCAGGGGTCCCAGGTTCTC-3'
Protein context (NP_001835.3, residues 163-183): PPGPPGPPGP[Pro173Arg]GLGGNFAAQM

ClinVar aggregate classification (germline): Conflicting classifications of pathogenicity. Review status: criteria provided, conflicting classifications (1 of 4 stars). 2 submissions from 2 submitters: Uncertain significance (1); Likely benign (1). Last evaluated 2026-05-22.

Conditions:
COL2A1-related disorder. Also called: COL2A1-related condition; COL2A1-related disorders.

Allele frequency attached by ClinVar (database versions not stated): gnomAD 0.00001; TOPMed 0.00001; gnomAD exomes 0.00002; ExAC 0.00003.

Submissions (2):

PreventionGenetics, part of Exact Sciences
Classification: Uncertain significance for COL2A1-related condition. Last evaluated: 2026-05-22. Review status: criteria provided, single submitter. Criteria: ACMG Guidelines, 2015. Collection method: clinical testing. Allele origin: germline.
Comment: The COL2A1 c.518C>G variant is predicted to result in the amino acid substitution p.Pro173Arg. This variant was reported in an individual with joint hypermobility (Leone et al. 2023. PubMed ID: 37079061). This variant is reported in 0.0036% of alleles in individuals of European (Non-Finnish) descent in gnomAD. At this time, the clinical significance of this variant is uncertain due to the absence of conclusive functional and genetic evidence.

Labcorp Genetics (formerly Invitae), Labcorp
Classification: Likely benign. Last evaluated: 2025-02-17. Review status: criteria provided, single submitter. Criteria: Invitae Variant Classification Sherloc (09022015). Collection method: clinical testing. Allele origin: germline.